The following is an entry in ClinVar:

NM_015335.5(MED13L):c.2579A>G (p.Asp860Gly)

Gene: MED13L (mediator complex subunit 13L; minus strand). Cytogenetic location: 12q24.21.
Variant type: single nucleotide variant.
Coding change: c.2579A>G on transcript NM_015335.5 (MANE Select); coding-DNA position 2579, A replaced by G.
Protein change: p.Asp860Gly; replaces aspartic acid 860 with glycine.
Molecular consequence: missense variant.
Genome position (GRCh38, 1-based): chr12:115,997,221, T>C on the plus strand (A>G on the coding strand, the complement: MED13L is on the minus strand). VCF-style: chr12-115997221-T-C. GRCh37 (hg19) VCF-style: chr12-116435026-T-C.
Other names: short protein forms D860G.
Identifiers: ClinVar variation 427897 (VCV000427897.11), dbSNP rs1555246154, ClinGen allele CA386890911.

ClinVar aggregate classification (germline): Pathogenic/Likely pathogenic. Review status: criteria provided, multiple submitters, no conflicts (2 of 4 stars). 3 submissions from 3 submitters: Pathogenic (2); Likely pathogenic (1). Last evaluated 2024-01-18.

Conditions:
Cardiac anomalies - developmental delay - facial dysmorphism syndrome (MRFACD). Also called: MED13L Syndrome; Impaired intellectual development and distinctive facial features with or without cardiac defects. Identifiers: Orphanet 369891, MedGen C5192431, MONDO:0014773, OMIM 616789.
Dextro-looped transposition of the great arteries. Also called: Dextrotransposition of the great arteries. Identifiers: Orphanet 860, MedGen C3531771, MONDO:0019443, OMIM 608808, HP:0031348.

Submissions (3):

Labcorp Genetics (formerly Invitae), Labcorp
Classification: Pathogenic for Dextro-looped transposition of the great arteries. Last evaluated: 2024-01-18. Review status: criteria provided, single submitter. Criteria: Invitae Variant Classification Sherloc (09022015). Collection method: clinical testing. Allele origin: germline.
Comment: This sequence change replaces aspartic acid, which is acidic and polar, with glycine, which is neutral and non-polar, at codon 860 of the MED13L protein (p.Asp860Gly). This variant is not present in population databases (gnomAD no frequency). This missense change has been observed in individual(s) with syndromic intellectual disability (PMID: 24896178, 28645799). In at least one individual the variant was observed to be de novo. ClinVar contains an entry for this variant (Variation ID: 427897). Advanced modeling of protein sequence and biophysical properties (such as structural, functional, and spatial information, amino acid conservation, physicochemical variation, residue mobility, and thermodynamic stability) performed at Invitae indicates that this missense variant is expected to disrupt MED13L protein function with a positive predictive value of 80%. For these reasons, this variant has been classified as Pathogenic.

GeneDx
Classification: Pathogenic. Last evaluated: 2022-08-16. Review status: criteria provided, single submitter. Criteria: GeneDx Variant Classification Process June 2021. Collection method: clinical testing. Allele origin: germline. Affected: yes.
Comment: Not observed in large population cohorts (gnomAD); In silico analysis supports that this missense variant has a deleterious effect on protein structure/function; This variant is associated with the following publications: (PMID: 28645799, 24896178, 29951696, 29593475)

Institute of Medical Genetics, University of Zurich
Classification: Likely pathogenic for Cardiac anomalies - developmental delay - facial dysmorphism syndrome. Last evaluated: 2017-05-18. Review status: criteria provided, single submitter. Criteria: ACMG Guidelines, 2015. Collection method: clinical testing. Allele origin: de novo. Affected: yes.

Literature cited by the submitters: PubMed 24896178 (cited by Labcorp Genetics (formerly Invitae), Labcorp); PubMed 28645799 (cited by Labcorp Genetics (formerly Invitae), Labcorp and Institute of Medical Genetics, University of Zurich).